The following is an entry in ClinVar:

ClinVar aggregate classification (germline): Conflicting classifications of pathogenicity. Review status: criteria provided, conflicting classifications (1 of 4 stars). 3 submissions from 3 submitters: Pathogenic (1); Likely pathogenic (1); Uncertain significance (1). Last evaluated 2024-05-29.

Conditions:
Exudative vitreoretinopathy 4 (EVR4). Identifiers: Orphanet 891, MedGen C1866176, MONDO:0011151, OMIM 601813.
Osteoporosis with pseudoglioma (OPPG). Also called: osteoporosis-pseudoglioma syndrome. Identifiers: Orphanet 2788, MedGen C0432252, MONDO:0009820, OMIM 259770.
Autosomal dominant osteopetrosis 1 (OPTA1). Also called: OSTEOPETROSIS, AUTOSOMAL DOMINANT, TYPE I. Identifiers: Orphanet 2783, MedGen C1843330, MONDO:0011877, OMIM 607634.
Bone mineral density quantitative trait locus 1 (BMND1). Identifiers: MedGen C1866079, OMIM 601884.
Worth disease. Also called: Autosomal dominant osteosclerosis, Worth type; ENDOSTEAL HYPEROSTOSIS, AUTOSOMAL DOMINANT; OSTEOSCLEROSIS, AUTOSOMAL DOMINANT. Identifiers: Orphanet 2790, MedGen C0432273, MONDO:0007764, OMIM 144750.
Polycystic liver disease 4 with or without kidney cysts. Identifiers: MedGen C4693479, MONDO:0044327, OMIM 617875.

Allele frequency attached by ClinVar (database versions not stated): gnomAD exomes below 0.00001; ExAC 0.00001; gnomAD 0.00001; TOPMed 0.00001.

Submissions (3):

GeneDx
Classification: Uncertain significance. Last evaluated: 2024-05-29. Review status: criteria provided, single submitter. Criteria: GeneDx Variant Classification Process June 2021. Collection method: clinical testing. Allele origin: germline. Affected: yes.
Comment: Observed in apparent homozygous state in a patient with nonsyndromic congenital retinal nonattachment in the literature and not observed in homozygous state in controls (PMID: 28192794); Published functional studies demonstrate reduced Wnt and Norrin signaling, but the significance of the reduced signaling cannot be determined (PMID: 16252235); In silico analysis supports that this missense variant has a deleterious effect on protein structure/function; This variant is associated with the following publications: (PMID: 16252235, 20340138, 28192794)

Fulgent Genetics
Classification: Likely pathogenic for Worth disease; Osteoporosis with pseudoglioma; Exudative vitreoretinopathy 4; Bone mineral density quantitative trait locus 1; Autosomal dominant osteopetrosis 1; Polycystic liver disease 4 with or without kidney cysts. Last evaluated: 2024-05-11. Review status: criteria provided, single submitter. Criteria: ACMG Guidelines, 2015. Collection method: clinical testing. Allele origin: germline.

Labcorp Genetics (formerly Invitae), Labcorp
Classification: Pathogenic. Last evaluated: 2022-09-23. Review status: criteria provided, single submitter. Criteria: Invitae Variant Classification Sherloc (09022015). Collection method: clinical testing. Allele origin: germline.
Comment: This sequence change replaces aspartic acid, which is acidic and polar, with asparagine, which is neutral and polar, at codon 434 of the LRP5 protein (p.Asp434Asn). This variant is present in population databases (rs757888034, gnomAD 0.006%). This missense change has been observed in individuals with clinical features of the autosomal recessive diseases exudative vitreoretinopathy and osteoporosis-pseudoglioma syndrome (PMID: 16252235, 28192794). It has also been observed to segregate with disease in related individuals. ClinVar contains an entry for this variant (Variation ID: 953606). Advanced modeling of protein sequence and biophysical properties (such as structural, functional, and spatial information, amino acid conservation, physicochemical variation, residue mobility, and thermodynamic stability) performed at Invitae indicates that this missense variant is expected to disrupt LRP5 protein function. Experimental studies have shown that this missense change affects LRP5 function (PMID: 16252235). For these reasons, this variant has been classified as Pathogenic.

Literature cited by the submitters: PubMed 16252235 (cited by Labcorp Genetics (formerly Invitae), Labcorp); PubMed 28192794 (cited by Labcorp Genetics (formerly Invitae), Labcorp).

NM_002335.4(LRP5):c.1300G>A (p.Asp434Asn)

Gene: LRP5 (LDL receptor related protein 5; plus strand). Cytogenetic location: 11q13.2.
Variant type: single nucleotide variant.
Coding change: c.1300G>A on transcript NM_002335.4 (MANE Select); coding-DNA position 1300, G replaced by A.
Protein change: p.Asp434Asn; replaces aspartic acid 434 with asparagine.
Molecular consequence: missense variant. On other transcripts: 5 prime UTR variant (1).
Genome position (GRCh38, 1-based): chr11:68,386,600, G>A. VCF-style: chr11-68386600-G-A. GRCh37 (hg19) VCF-style: chr11-68154068-G-A.
Other names: c.-466G>A (NM_001291902.2); c.1300G>A (NM_002335.2); short protein forms D434N.
Identifiers: ClinVar variation 953606 (VCV000953606.11), dbSNP rs757888034, ClinGen allele CA6149295.